The following is an entry in ClinVar:

NM_015141.4(GPD1L):c.384C>T (p.Pro128=)

Gene: GPD1L (glycerol-3-phosphate dehydrogenase 1 like; plus strand). Cytogenetic location: 3p22.3.
Variant type: single nucleotide variant.
Coding change: c.384C>T on transcript NM_015141.4 (MANE Select); coding-DNA position 384, C replaced by T.
Protein change: p.Pro128=; no amino-acid change (proline 128 retained).
Molecular consequence: synonymous variant.
Genome position (GRCh38, 1-based): chr3:32,140,245, C>T. VCF-style: chr3-32140245-C-T. GRCh37 (hg19) VCF-style: chr3-32181737-C-T.
Identifiers: ClinVar variation 390828 (VCV000390828.11), dbSNP rs779990114, ClinGen allele CA2296636.

ClinVar aggregate classification (germline): Likely benign. Review status: criteria provided, multiple submitters, no conflicts (2 of 4 stars). 4 submissions from 4 submitters: Likely benign (4). Last evaluated 2025-11-24.

Conditions:
Brugada syndrome. Also called: Sudden Unexplained Death Syndrome; Sudden Unexplained Nocturnal Death Syndrome (SUNDS); Sudden unexplained nocturnal death syndrome; Sudden unexpected nocturnal death syndrome. Identifiers: Orphanet 130, MedGen C1142166, MONDO:0015263.
Cardiovascular phenotype. Identifiers: MedGen CN230736.

Allele frequency attached by ClinVar (database versions not stated): gnomAD exomes 0.00001; ExAC 0.00002; gnomAD 0.00001; TOPMed 0.00001.
gnomAD v4.1: 11 of 1,613,864 alleles (0.00068%); highest among the groups gnomAD compares: Middle Eastern, 0.016%; no homozygotes.

Submissions (4):

Women's Health and Genetics/Laboratory Corporation of America, LabCorp
Classification: Likely benign. Last evaluated: 2025-11-24. Review status: criteria provided, single submitter. Criteria: LabCorp Variant Classification Summary - May 2015. Collection method: clinical testing. Allele origin: germline.

Labcorp Genetics (formerly Invitae), Labcorp
Classification: Likely benign for Brugada syndrome. Last evaluated: 2024-06-23. Review status: criteria provided, single submitter. Criteria: Invitae Variant Classification Sherloc (09022015). Collection method: clinical testing. Allele origin: germline.

Ambry Genetics
Classification: Likely benign for Cardiovascular phenotype. Last evaluated: 2023-05-27. Review status: criteria provided, single submitter. Criteria: Ambry Variant Classification Scheme 2023. Collection method: clinical testing. Allele origin: germline.

GeneDx
Classification: Likely benign. Last evaluated: 2016-11-07. Review status: criteria provided, single submitter. Criteria: GeneDx Variant Classification (06012015). Collection method: clinical testing. Allele origin: germline. Affected: yes.
Comment: This variant is considered likely benign or benign based on one or more of the following criteria: it is a conservative change, it occurs at a poorly conserved position in the protein, it is predicted to be benign by multiple in silico algorithms, and/or has population frequency not consistent with disease.